The following is an entry in ClinVar:

NM_032578.4(MYPN):c.2076G>T (p.Met692Ile)

Gene: MYPN (myopalladin; plus strand). Cytogenetic location: 10q21.3.
Variant type: single nucleotide variant.
Coding change: c.2076G>T on transcript NM_032578.4 (MANE Select); coding-DNA position 2076, G replaced by T.
Protein change: p.Met692Ile; replaces methionine 692 with isoleucine.
Molecular consequence: missense variant. On other transcripts: non-coding transcript variant (2).
Genome position (GRCh38, 1-based): chr10:68,174,168, G>T. VCF-style: chr10-68174168-G-T. GRCh37 (hg19) VCF-style: chr10-69933925-G-T.
Other names: c.2076G>T, p.Met692Ile (NM_001256267.2); c.1194G>T, p.Met398Ile (NM_001256268.2); short protein forms M398I, M692I.
Identifiers: ClinVar variation 1785464 (VCV001785464.6), dbSNP rs773720967, ClinGen allele CA5522724.

ClinVar aggregate classification (germline): Uncertain significance. Review status: criteria provided, multiple submitters, no conflicts (2 of 4 stars). 4 submissions from 4 submitters: Uncertain significance (4). Last evaluated 2024-03-07.

Conditions:
Cardiovascular phenotype. Identifiers: MedGen CN230736.
Dilated cardiomyopathy 1KK (CMD1KK). Identifiers: Orphanet 154, Orphanet 75249, MedGen C3714995, MONDO:0014100, OMIM 615248.

Allele frequency attached by ClinVar (database versions not stated): ExAC 0.00001; gnomAD 0.00001.
gnomAD v4.1: 51 of 1,613,880 alleles (0.0032%); highest among the groups gnomAD compares: Non-Finnish European, 0.0042%; no homozygotes.

Submissions (4):

Blueprint Genetics
Classification: Uncertain significance. Last evaluated: 2024-03-07. Review status: criteria provided, single submitter. Criteria: ACMG Guidelines, 2015. Collection method: clinical testing. Allele origin: germline.

GeneDx
Classification: Uncertain significance. Last evaluated: 2023-10-16. Review status: criteria provided, single submitter. Criteria: GeneDx Variant Classification Process June 2021. Collection method: clinical testing. Allele origin: germline. Affected: yes.
Comment: Has not been previously published as pathogenic or benign to our knowledge; Not observed at significant frequency in large population cohorts (gnomAD); In silico analysis supports that this missense variant does not alter protein structure/function

Ambry Genetics
Classification: Uncertain significance for Cardiovascular phenotype. Last evaluated: 2022-11-07. Review status: criteria provided, single submitter. Criteria: Ambry Variant Classification Scheme 2023. Collection method: clinical testing. Allele origin: germline.

Labcorp Genetics (formerly Invitae), Labcorp
Classification: Uncertain significance for Dilated cardiomyopathy 1KK. Last evaluated: 2022-06-21. Review status: criteria provided, single submitter. Criteria: Invitae Variant Classification Sherloc (09022015). Collection method: clinical testing. Allele origin: germline.
Comment: This sequence change replaces methionine, which is neutral and non-polar, with isoleucine, which is neutral and non-polar, at codon 692 of the MYPN protein (p.Met692Ile). This variant is present in population databases (rs773720967, gnomAD 0.004%). This variant has not been reported in the literature in individuals affected with MYPN-related conditions. Algorithms developed to predict the effect of missense changes on protein structure and function (SIFT, PolyPhen-2, Align-GVGD) all suggest that this variant is likely to be tolerated. In summary, the available evidence is currently insufficient to determine the role of this variant in disease. Therefore, it has been classified as a Variant of Uncertain Significance.